The following is an entry in ClinVar:

NM_000352.6(ABCC8):c.4259G>A (p.Arg1420His)

Gene: ABCC8 (ATP binding cassette subfamily C member 8; minus strand). Cytogenetic location: 11p15.1.
Variant type: single nucleotide variant.
Coding change: c.4259G>A on transcript NM_000352.6 (MANE Select); coding-DNA position 4259, G replaced by A.
Protein change: p.Arg1420His; replaces arginine 1420 with histidine.
Molecular consequence: missense variant. On other transcripts: non-coding transcript variant (1).
Genome position (GRCh38, 1-based): chr11:17,395,658, C>T on the plus strand (G>A on the coding strand, the complement: ABCC8 is on the minus strand). VCF-style: chr11-17395658-C-T. GRCh37 (hg19) VCF-style: chr11-17417205-C-T.
Other names: NM_001287174.3:c.4262G>A; c.4259G>A, p.Arg1420His (NM_001351296.2); c.4256G>A, p.Arg1419His (NM_001351297.2); c.4262G>A, p.Arg1421His (NM_001287174.3); c.4325G>A, p.Arg1442His (NM_001351295.2); c.4259G>A (NM_000352.4); short protein forms R1419H, R1420H, R1421H, R1442H.
Identifiers: ClinVar variation 2576195 (VCV002576195.7), dbSNP rs1272388614, ClinGen allele CA379786666.

ClinVar aggregate classification (germline): Conflicting classifications of pathogenicity. Review status: criteria provided, conflicting classifications (1 of 4 stars). 5 submissions from 5 submitters: Pathogenic (2); Likely pathogenic (2); Uncertain significance (1). Last evaluated 2025-11-24.

Conditions:
Type 2 diabetes mellitus. Also called: Type II diabetes mellitus. Identifiers: MedGen C0011860, MeSH D003924, MONDO:0005148, OMIM 125853, HP:0005978.
Hereditary hyperinsulinism.
Leucine-induced hypoglycemia (LIH). Also called: LEUCINE-SENSITIVE HYPOGLYCEMIA OF INFANCY. Identifiers: MedGen C0271714, MONDO:0009415, OMIM 240800.
Diabetes mellitus, permanent neonatal 3. Also called: ABCC8-Related Permanent Neonatal Diabetes Mellitus. Identifiers: MedGen C5394303, MONDO:0030088, OMIM 618857.
Diabetes mellitus, transient neonatal, 2 (TNDM2). Identifiers: Orphanet 99886, MedGen C1835887, MONDO:0012480, OMIM 610374. Disease mechanism: loss of function.
Hyperinsulinemic hypoglycemia, familial, 1 (HHF1). Also called: Persistent hyperinsulinemic hypoglycemia of infancy; HYPERINSULINISM, FAMILIAL, WITH PANCREATIC NESIDIOBLASTOSIS; HYPOGLYCEMIA, HYPERINSULINEMIC, OF INFANCY; NESIDIOBLASTOSIS OF PANCREAS; Persistent Hyperinsulinemia Hypoglycemia of Infancy. Identifiers: Orphanet 276575, Orphanet 276598, MedGen C2931832, MONDO:0009734, OMIM 256450.

Allele frequency attached by ClinVar (database versions not stated): gnomAD 0.00003; TOPMed 0.00003.
gnomAD v4.1: 15 of 1,560,736 alleles (0.00096%); highest among the groups gnomAD compares: Admixed American, 0.017%; no homozygotes.

Submissions (5):

Natera, Inc.
Classification: Pathogenic for Hereditary hyperinsulinism. Last evaluated: 2025-11-24. Review status: criteria provided, single submitter. Criteria: Natera Variant Classification Schema (03/2026). Collection method: clinical testing. Allele origin: germline.
Comment: The c.4259G>A variant in ABCC8 is a missense variant predicted to cause substitution of arginine to histidine at amino acid 1420. This variant is rare in the general population with a frequency below the threshold expected for the associated phenotype(s). This variant has been observed in one or more individuals affected with the associated recessive disease, as either homozygous or compound heterozygous with a second variant (PMID: 26246406, 23926410, 25720052). Additionally, this variant has been observed to segregate in affected family members (PMID: 25720052). A different variant at the same position has been determined to be Pathogenic or Likely Pathogenic. Computational prediction algorithms indicate this variant is likely to affect gene or protein function. Given the available evidence, this variant is classified as Pathogenic.

Labcorp Genetics (formerly Invitae), Labcorp
Classification: Uncertain significance. Last evaluated: 2025-02-27. Review status: criteria provided, single submitter. Criteria: Invitae Variant Classification Sherloc (09022015). Collection method: clinical testing. Allele origin: germline.
Comment: This sequence change replaces arginine, which is basic and polar, with histidine, which is basic and polar, at codon 1420 of the ABCC8 protein (p.Arg1420His). The frequency data for this variant in the population databases is considered unreliable, as metrics indicate poor data quality at this position in the gnomAD database. This missense change has been observed in individual(s) with ABCC8-related conditions (PMID: 23926410, 26246406, 36504295, 38164708). This variant is also known as c.4262G>A (p.Arg1421His). ClinVar contains an entry for this variant (Variation ID: 2576195). Invitae Evidence Modeling of protein sequence and biophysical properties (such as structural, functional, and spatial information, amino acid conservation, physicochemical variation, residue mobility, and thermodynamic stability) indicates that this missense variant is expected to disrupt ABCC8 protein function with a positive predictive value of 95%. Experimental studies have shown that this missense change affects ABCC8 function (PMID: 26246406). This variant disrupts the p.Arg1420 amino acid residue in ABCC8. Other variant(s) that disrupt this residue have been determined to be pathogenic (PMID: 9769320, 10615958, 17378627, 32041611). This suggests that this residue is clinically significant, and that variants that disrupt this residue are likely to be disease-causing. In summary, the available evidence is currently insufficient to determine the role of this variant in disease. Therefore, it has been classified as a Variant of Uncertain Significance.

Fulgent Genetics
Classification: Pathogenic for Type 2 diabetes mellitus; Leucine-induced hypoglycemia; Hyperinsulinemic hypoglycemia, familial, 1; Diabetes mellitus, transient neonatal, 2; Diabetes mellitus, permanent neonatal 3. Last evaluated: 2024-05-17. Review status: criteria provided, single submitter. Criteria: ACMG Guidelines, 2015. Collection method: clinical testing. Allele origin: germline.

Baylor Genetics
Classification: Likely pathogenic for Type 2 diabetes mellitus. Last evaluated: 2023-11-03. Review status: criteria provided, single submitter. Criteria: ACMG Guidelines, 2015. Collection method: clinical testing. Allele origin: unknown.

Broad Center for Mendelian Genomics, Broad Institute of MIT and Harvard
Classification: Likely pathogenic for Hyperinsulinemic hypoglycemia, familial, 1. Last evaluated: 2023-08-16. Review status: criteria provided, single submitter. Criteria: ACMG Guidelines, 2015. Collection method: curation. Allele origin: germline. Inheritance: Autosomal recessive inheritance.
Comment: The p.Arg1420His variant in ABCC8 has been reported in 5 individuals with hyperinsulinemic hypoglycemia (PMID: 26246406, 25720052, 35182381, 23926410, 15579781), and has been identified in 0.015% (4/25886) of Latino/Admixed American chromosomes by the Genome Aggregation Database (gnomAD; dbSNP rs1272388614). Although this variant has been seen in the general population in a heterozygous state, its frequency is not high enough to rule out a pathogenic role. Of the 5 affected individuals, 2 were compound heterozygotes that carried a reported pathogenic variant in trans, which increases the likelihood that the p.Arg1420His variant is pathogenic (PMID: 26246406, 25720052, 23926410, 35182381). Computational prediction tools and conservation analyses suggest that this variant may impact the protein, though this information is not predictive enough to determine pathogenicity. In vitro functional studies provide some evidence that the p.Arg1420His variant may slightly impact protein function (PMID: 25720052, 15579781). However, these types of assays may not accurately represent biological function. One additional likely pathogenic variant, resulting in a different amino acid change at the same position, p.R1420C, has been reported in association with disease in ClinVar, supporting that a change at this position may not be tolerated (Variation ID: 9095). In summary, although additional studies are required to fully establish its clinical significance, this variant is likely pathogenic for autosomal recessive hyperinsulinemic hypoglycemia. ACMG/AMP Criteria applied: PM3_strong, PM5, PP3, PS3_supporting,(Richards 2015).

Literature cited by the submitters: PubMed 26246406 (cited by Natera, Inc. and Labcorp Genetics (formerly Invitae), Labcorp); PubMed 23926410 (cited by Natera, Inc. and Labcorp Genetics (formerly Invitae), Labcorp); PubMed 25720052 (cited by Natera, Inc.); PubMed 36504295 (cited by Labcorp Genetics (formerly Invitae), Labcorp); PubMed 38164708 (cited by Labcorp Genetics (formerly Invitae), Labcorp); PubMed 9769320 (cited by Labcorp Genetics (formerly Invitae), Labcorp); PubMed 10615958 (cited by Labcorp Genetics (formerly Invitae), Labcorp); PubMed 17378627 (cited by Labcorp Genetics (formerly Invitae), Labcorp); PubMed 32041611 (cited by Labcorp Genetics (formerly Invitae), Labcorp); PubMed 15579781 (cited by Broad Center for Mendelian Genomics, Broad Institute of MIT and Harvard).